The following is an entry in ClinVar:

ClinVar aggregate classification (germline): Uncertain significance. Review status: criteria provided, multiple submitters, no conflicts (2 of 4 stars). 11 submissions from 11 submitters: Uncertain significance (10). 1 of the submissions does not count toward it. Last evaluated 2026-07-01.

Conditions:
Cardiovascular phenotype. Identifiers: MedGen CN230736.
Dilated cardiomyopathy 1S (CMD1S). Identifiers: Orphanet 154, Orphanet 54260, MedGen C1834481, MONDO:0013262, OMIM 613426.
Scapuloperoneal myopathy. Identifiers: MedGen C2931268, MONDO:0000727, HP:0009054.
Left ventricular noncompaction. Identifiers: Orphanet 54260, MedGen C1960469, MONDO:0018901, HP:0030682.
MYH7-related skeletal myopathy. Also called: MYOPATHY, DISTAL, EARLY-ONSET, AUTOSOMAL DOMINANT; MYOPATHY, LATE DISTAL HEREDITARY; Myopathy, distal, 1; Laing distal myopathy; Laing early-onset distal myopathy. Identifiers: Orphanet 59135, MedGen C4552004, MONDO:0008050, OMIM 160500.
Myosin storage myopathy (CMYO7A). Also called: MYH7-related late-onset scapuloperoneal muscular dystrophy; Congenital myopathy 7A, myosin storage, autosomal dominant; MYOPATHY, HYALINE BODY, AUTOSOMAL DOMINANT; SCAPULOPERONEAL MUSCULAR DYSTROPHY; SCAPULOPERONEAL SYNDROME, MYOPATHIC TYPE; Scapuloperoneal myopathy, MYH7-related. Identifiers: Orphanet 437572, Orphanet 636965, MedGen C1842160, MONDO:0008409, OMIM 608358.
Hypertrophic cardiomyopathy 1 (CMH1). Also called: Familial hypertrophic cardiomyopathy 1; MYH7-Related Familial Hypertrophic Cardiomyopathy. Identifiers: MedGen C3495498, MONDO:0008647, OMIM 192600.
Congenital myopathy with fiber type disproportion. Also called: Congenital fiber-type disproportion; Congenital fiber-type disproportion myopathy. Identifiers: Orphanet 2020, MedGen C0546264, MONDO:0009711. Inheritance: all.
Myopathy, myosin storage, autosomal recessive (CMYO7B). Also called: CONGENITAL MYOPATHY 7B, MYOSIN STORAGE, AUTOSOMAL RECESSIVE. Identifiers: Orphanet 636970, MedGen C1850709, MONDO:0009708, OMIM 255160.
Cardiomyopathy (CMYO). Also called: Cardiomyopathies. Identifiers: Orphanet 167848, MedGen C0878544, MONDO:0004994, HP:0001638. Inheritance: Various modes of inheritance.
Hypertrophic cardiomyopathy. Also called: HYPERTROPHIC MYOCARDIOPATHY. Identifiers: Orphanet 217569, MedGen C0007194, MeSH D002312, MONDO:0005045, HP:0001639.

gnomAD v4.1: 56 of 1,613,728 alleles (0.0035%); highest among the groups gnomAD compares: Non-Finnish European, 0.0042%; no homozygotes.

Submissions (11):

CeGaT Center for Human Genetics Tuebingen
Classification: Uncertain significance. Last evaluated: 2026-07-01. Review status: criteria provided, single submitter. Criteria: CeGaT Center For Human Genetics Tuebingen Variant Classification Criteria Version 2. Collection method: clinical testing. Allele origin: germline. Affected: yes. Observed: 1 variant allele.
Comment: MYH7: PM2, PS4:Moderate, PP3

Ambry Genetics
Classification: Uncertain significance for Cardiovascular phenotype. Last evaluated: 2025-12-22. Review status: criteria provided, single submitter. Criteria: Ambry Variant Classification Scheme 2023. Collection method: clinical testing. Allele origin: germline.
Comment: The p.R1344W variant (also known as c.4030C>T), located in coding exon 28 of the MYH7 gene, results from a C to T substitution at nucleotide position 4030. The arginine at codon 1344 is replaced by tryptophan, an amino acid with dissimilar properties. This alteration was identified in 1 patient with dilated cardiomyopathy (DCM) in a large study of pathogenicity of Mendelian variants in cardiomyopathy patients, but clinical details are limited (Walsh R et al. Genet Med, 2017 Feb;19:192-203). This amino acid position is highly conserved in available vertebrate species. In addition, this alteration is predicted to be deleterious by in silico analysis. Since supporting evidence is limited at this time, the clinical significance of this alteration remains unclear.

Labcorp Genetics (formerly Invitae), Labcorp
Classification: Uncertain significance for Hypertrophic cardiomyopathy. Last evaluated: 2025-11-19. Review status: criteria provided, single submitter. Criteria: Invitae Variant Classification Sherloc (09022015). Collection method: clinical testing. Allele origin: germline.
Comment: This sequence change replaces arginine, which is basic and polar, with tryptophan, which is neutral and slightly polar, at codon 1344 of the MYH7 protein (p.Arg1344Trp). This variant is present in population databases (rs727504352, gnomAD 0.007%). This missense change has been observed in individual(s) with dilated cardiomyopathy or hypertrophic cardiomyopathy (PMID: 22464770, 27532257, 37652022). ClinVar contains an entry for this variant (Variation ID: 177839). Invitae Evidence Modeling of protein sequence and biophysical properties (such as structural, functional, and spatial information, amino acid conservation, physicochemical variation, residue mobility, and thermodynamic stability) indicates that this missense variant is expected to disrupt MYH7 protein function with a positive predictive value of 95%. In summary, the available evidence is currently insufficient to determine the role of this variant in disease. Therefore, it has been classified as a Variant of Uncertain Significance.

Color Diagnostics, LLC DBA Color Health
Classification: Uncertain significance for Cardiomyopathy. Last evaluated: 2025-06-11. Review status: criteria provided, single submitter. Criteria: ACMG Guidelines, 2015. Collection method: clinical testing. Allele origin: germline.
Comment: This missense variant replaces arginine with tryptophan at codon 1344 of the MYH7 protein. Computational prediction suggests that this variant may have a deleterious impact on protein structure and function. To our knowledge, functional studies have not been reported for this variant. This variant has been reported in individuals affected with hypertrophic cardiomyopathy (PMID: 24093860, 27532257, 37652022) and in individuals affected with dilated cardiomyopathy (PMID: 22464770, 27532257, 37652022). This variant has been identified in 4/250960 chromosomes in the general population by the Genome Aggregation Database (gnomAD). The available evidence is insufficient to determine the role of this variant in disease conclusively. Therefore, this variant is classified as a Variant of Uncertain Significance.

Mayo Clinic Laboratories, Mayo Clinic
Classification: Uncertain significance. Last evaluated: 2025-03-03. Review status: criteria provided, single submitter. Criteria: ACMG Guidelines, 2015. Collection method: clinical testing. Allele origin: germline. Observed: 1 variant allele.
Comment: PP3_moderate, PM2_supporting, PS4_supporting

All of Us Research Program, National Institutes of Health
Classification: Uncertain significance for Cardiomyopathy. Last evaluated: 2024-08-06. Review status: criteria provided, single submitter. Criteria: ACMG Guidelines, 2015. Collection method: clinical testing. Allele origin: germline. Inheritance: Autosomal dominant inheritance. Observed: 7 variant alleles, 7 heterozygotes.
Comment: This missense variant replaces arginine with tryptophan at codon 1344 of the MYH7 protein. Computational prediction suggests that this variant may have a deleterious impact on protein structure and function (internally defined REVEL score threshold >= 0.7, PMID: 27666373). To our knowledge, functional studies have not been reported for this variant. This variant has been reported in individuals affected with hypertrophic cardiomyopathy (PMID: 24093860, 27532257) and in individuals affected with dilated cardiomyopathy (PMID: 22464770, 27532257). This variant has been identified in 4/250960 chromosomes in the general population by the Genome Aggregation Database (gnomAD). The available evidence is insufficient to determine the role of this variant in disease conclusively. Therefore, this variant is classified as a Variant of Uncertain Significance.

This study involves interpretation of variants in research participants for the purpose of population health screening. Participant phenotype was not available at the time of variant classification. Additional details can be found in publication PMID: 35346344, PMCID: PMC8962531

Blueprint Genetics
Classification: Uncertain significance. Last evaluated: 2024-07-04. Review status: criteria provided, single submitter. Criteria: ACMG Guidelines, 2015. Collection method: clinical testing. Allele origin: germline.

3billion
Classification: Uncertain significance for Hypertrophic cardiomyopathy 1. Last evaluated: 2023-02-23. Review status: criteria provided, single submitter. Criteria: ACMG Guidelines, 2015. Collection method: clinical testing. Allele origin: unknown. Affected: yes.
Comment: The variant is observed at an extremely low frequency in the gnomAD v2.1.1 dataset (total allele frequency: 0.002%). In silico tool predictions suggest damaging effect of the variant on gene or gene product (REVEL: 0.82; 3Cnet: 0.23). Same nucleotide change resulting in same amino acid change has been previously reported to be associated with MYH7 related disorder (PMID: 22464770). A different missense change at the same codon (p.Arg1344Gln) has been reported to be associated with MYH7 related disorder (ClinVar ID: VCV000208597 / PMID: 24093860). However the evidence of pathogenicity is insufficient at this time. Therefore, this variant is classified as VUS according to the recommendation of ACMG/AMP guideline.

Fulgent Genetics
Classification: Uncertain significance for MYH7-related skeletal myopathy; Myosin storage myopathy; Hypertrophic cardiomyopathy 1; Myopathy, myosin storage, autosomal recessive; Congenital myopathy 4A, autosomal dominant; Dilated cardiomyopathy 1S. Last evaluated: 2021-09-01. Review status: criteria provided, single submitter. Criteria: ACMG Guidelines, 2015. Collection method: clinical testing. Allele origin: unknown.

GeneDx
Classification: Uncertain significance. Last evaluated: 2017-04-11. Review status: criteria provided, single submitter. Criteria: GeneDx Variant Classification (06012015). Collection method: clinical testing. Allele origin: germline. Affected: yes.
Comment: p.Arg1344Trp (CGG>TGG): c.4030 C>T in exon 30 of the MYH7 gene (NM_000257.2). The Arg1344Trp mutation in the MYH7 gene has been reported in one individual with DCM (Lakdawala N et al., 2012). Arg1344Trp results in a non-conservative amino acid substitution of a positively charged Arginine with a non-polar Tryptophan at a position that is well conserved across species. In silico analysis predicts Arg1344Trp is probably damaging to the protein structure/function. A mutation in a nearby residue (Thr1351Met, Glu1356Lys) have been reported in association with cardiomyopathy, further supporting the functional importance of this region of the protein. Furthermore, the NHLBI ESP Exome Variant Server reports Arg1344Trp was not observed in approximately 6,500 samples from individuals of European and African American backgrounds, indicating it is not a common benign variant in these populations. In summary, Arg1344Trp in the MYH7 gene is interpreted as a disease-causing mutation. The variant is found in DCM panel(s).

Laboratory for Molecular Medicine, Mass General Brigham Personalized Medicine
Classification: Uncertain significance. Last evaluated: 2015-10-16. Review status: no assertion criteria provided. Collection method: clinical testing. Allele origin: germline. Observed: 2 variant alleles. Not counted in ClinVar's aggregate classification.
Comment: proposed classification - variant undergoing re-assessment, contact laboratory

Literature cited by the submitters: PubMed 22464770 (cited by 6 submitters); PubMed 27532257 (cited by 5 submitters); PubMed 37652022 (cited by 4 submitters); PubMed 24093860 (cited by 3 submitters).

NM_000257.4(MYH7):c.4030C>T (p.Arg1344Trp)

Gene: MYH7 (myosin heavy chain 7; minus strand). Cytogenetic location: 14q11.2.
Variant type: single nucleotide variant.
Coding change: c.4030C>T on transcript NM_000257.4 (MANE Select); coding-DNA position 4030, C replaced by T.
Protein change: p.Arg1344Trp; replaces arginine 1344 with tryptophan.
Molecular consequence: missense variant.
Genome position (GRCh38, 1-based): chr14:23,418,349, G>A on the plus strand (C>T on the coding strand, the complement: MYH7 is on the minus strand). VCF-style: chr14-23418349-G-A. GRCh37 (hg19) VCF-style: chr14-23887558-G-A.
Other names: short protein forms R1344W.
Identifiers: ClinVar variation 177839 (VCV000177839.26), dbSNP rs727504352, ClinGen allele CA014372.